The following is an entry in ClinVar:

NM_002351.5(SH2D1A):c.201+1dup

Gene: SH2D1A (SH2 domain containing 1A; plus strand). Cytogenetic location: Xq25.
Variant type: Duplication.
Coding change: c.201+1dup on transcript NM_002351.5 (MANE Select); the canonical splice donor site of the intron after coding-DNA position 201, one base duplicated (G; older notation c.201+1dupG).
Molecular consequence: splice donor variant.
Genome position (GRCh38, 1-based): chrX:124,365,825, G duplicated; the last of 2 consecutive G bases (chrX:124,365,824-124,365,825); duplicating either gives the same sequence. VCF-style (leftmost placement, unchanged base first): chrX-124365823-A-AG. GRCh37 (hg19) VCF-style: chrX-123499673-A-AG.
Other names: c.201+1dup (NM_001114937.3).
Identifiers: ClinVar variation 3377802 (VCV003377802.1).

ClinVar aggregate classification (germline): Pathogenic (1 of 4 stars; one submission).

Conditions:
X-linked lymphoproliferative disease due to SH2D1A deficiency (XLP1). Also called: EBV infection severe susceptibility to; Epstein Barr virus infection familial fatal; Duncan's syndrome; IMMUNODEFICIENCY 5; IMMUNODEFICIENCY, X-LINKED PROGRESSIVE COMBINED VARIABLE; INFECTIOUS MONONUCLEOSIS, SEVERE, SUSCEPTIBILITY TO. Identifiers: Orphanet 2442, Orphanet 538931, MedGen C5399825, MONDO:0024551, OMIM 308240.

Submission:

St. Jude Molecular Pathology, St. Jude Children's Research Hospital
Classification: Pathogenic for X-linked lymphoproliferative disease due to SH2D1A deficiency. Last evaluated: 2023-12-27. Review status: criteria provided, single submitter. Criteria: St. Jude Assertion Criteria 2020. Collection method: clinical testing. Allele origin: germline. Affected: yes.
Comment: The SH2D1A c.201+1dup intronic change results from a duplication of G at the +1 position of intron 2 of the SH2D1A gene. This variant is predicted to result in the loss of the native splice donor site and abnormal gene splicing. RNA sequencing in the tumor sample demonstrates alternative splicing (internal data). This variant is absent in gnomAD v2.1.1. In summary, this variant meets criteria to be classified as pathogenic.